The following is an entry in ClinVar:

NM_001277062.2(MFF):c.660-60G>A

Gene: MFF (mitochondrial fission factor; plus strand). Cytogenetic location: 2q36.3.
Variant type: single nucleotide variant.
Coding change: c.660-60G>A on transcript NM_001277062.2 (MANE Select); 60 bases into the intron before coding-DNA position 660, G replaced by A.
Molecular consequence: intron variant.
Genome position (GRCh38, 1-based): chr2:227,355,617, G>A. VCF-style: chr2-227355617-G-A. GRCh37 (hg19) VCF-style: chr2-228220333-G-A.
Other names: c.813-60G>A (NM_001277061.2, NM_020194.5); c.516-60G>A (NM_001277063.2); c.501-60G>A (NM_001277064.2); c.441-60G>A (NM_001277065.2, NM_001277066.2); c.450-60G>A (NM_001277067.1); c.543-60G>A (NM_001277068.1).
Identifiers: ClinVar variation 675559 (VCV000675559.2), dbSNP rs78798298, ClinGen allele CA66605926.

ClinVar aggregate classification (germline): Benign. Review status: criteria provided, multiple submitters, no conflicts (2 of 4 stars). 2 submissions from 2 submitters: Benign (2). Last evaluated 2018-06-14.

Allele frequency attached by ClinVar (database versions not stated): 1000 Genomes Project 0.02636; 1000 Genomes Project 30x 0.02701; gnomAD 0.02817 and 0.03026; TOPMed 0.02981.

Submissions (2):

GeneDx
Classification: Benign. Last evaluated: 2018-06-14. Review status: criteria provided, single submitter. Criteria: GeneDx Variant Classification (06012015). Collection method: clinical testing. Allele origin: germline. Affected: yes.
Comment: This variant is considered likely benign or benign based on one or more of the following criteria: it is a conservative change, it occurs at a poorly conserved position in the protein, it is predicted to be benign by multiple in silico algorithms, and/or has population frequency not consistent with disease.

Breakthrough Genomics
Classification: Benign. Review status: criteria provided, single submitter. Criteria: ACMG Guidelines, 2015. Collection method: not provided. Allele origin: germline. Inheritance: Autosomal recessive inheritance. Affected: yes.